The following is an entry in ClinVar:

NM_001903.5(CTNNA1):c.2304C>G (p.Pro768=)

Gene: CTNNA1 (catenin alpha 1; plus strand). Cytogenetic location: 5q31.2.
Variant type: single nucleotide variant.
Coding change: c.2304C>G on transcript NM_001903.5 (MANE Select); coding-DNA position 2304, C replaced by G.
Protein change: p.Pro768=; no amino-acid change (proline 768 retained).
Molecular consequence: synonymous variant. On other transcripts: intron variant (1).
Genome position (GRCh38, 1-based): chr5:138,932,583, C>G. VCF-style: chr5-138932583-C-G. GRCh37 (hg19) VCF-style: chr5-138268272-C-G.
Other names: c.2304C>G (NM_001903.4); c.2304C>G, p.Pro768= (NM_001290307.3, NM_001323982.2, NM_001323983.1 and 2 more transcripts); c.1995C>G, p.Pro665= (NM_001290309.3); c.1935C>G, p.Pro645= (NM_001290310.3); c.1194C>G, p.Pro398= (NM_001290312.1, NM_001323987.1, NM_001323988.1 and 16 more transcripts); c.2211C>G, p.Pro737= (NM_001323986.2); c.855C>G, p.Pro285= (NM_001324006.1, NM_001324007.1, NM_001324008.1 and 2 more transcripts); c.1101C>G, p.Pro367= (NM_001324011.1); and 2 more.
Identifiers: ClinVar variation 745157 (VCV000745157.16), dbSNP rs147022694, ClinGen allele CA3432167.

ClinVar aggregate classification (germline): Benign/Likely benign. Review status: criteria provided, multiple submitters, no conflicts (2 of 4 stars). 4 submissions from 4 submitters: Benign (1); Likely benign (2). 1 of the submissions does not count toward it. Last evaluated 2025-11-01.

Conditions:
Hereditary diffuse gastric adenocarcinoma (HDGC). Also called: DIFFUSE GASTRIC AND LOBULAR BREAST CANCER SYNDROME. Identifiers: Orphanet 26106, MedGen C1708349, MONDO:0007648, OMIM 137215.
CTNNA1-related disorder. Also called: CTNNA1-related condition.
Hereditary cancer-predisposing syndrome. Also called: Tumor predisposition; Hereditary Cancer Syndrome; Neoplastic Syndromes, Hereditary; Hereditary neoplastic syndrome. Identifiers: Orphanet 140162, MedGen C0027672, MeSH D009386, MONDO:0015356.

Allele frequency attached by ClinVar (database versions not stated): 1000 Genomes Project 30x 0.00047; 1000 Genomes Project 0.00060.
gnomAD v4.1: 30 of 1,614,082 alleles (0.0019%); highest among the groups gnomAD compares: South Asian, 0.018%; no homozygotes.

Submissions (4):

Labcorp Genetics (formerly Invitae), Labcorp
Classification: Likely benign. Last evaluated: 2025-11-01. Review status: criteria provided, single submitter. Criteria: Invitae Variant Classification Sherloc (09022015). Collection method: clinical testing. Allele origin: germline.

Myriad Genetics, Inc.
Classification: Benign for Hereditary diffuse gastric adenocarcinoma. Last evaluated: 2024-10-15. Review status: criteria provided, single submitter. Criteria: Myriad Autosomal Dominant, Autosomal Recessive and X-Linked Classification Criteria (2023). Collection method: clinical testing. Allele origin: unknown.
Comment: This variant is considered benign. This variant is a silent/synonymous amino acid change and it is not expected to impact splicing.

Ambry Genetics
Classification: Likely benign for Hereditary cancer-predisposing syndrome. Last evaluated: 2020-04-27. Review status: criteria provided, single submitter. Criteria: Ambry Variant Classification Scheme 2023. Collection method: clinical testing. Allele origin: germline.

PreventionGenetics, part of Exact Sciences
Classification: Likely benign for CTNNA1-related condition. Last evaluated: 2019-04-05. Review status: no assertion criteria provided. Collection method: clinical testing. Allele origin: germline. Not counted in ClinVar's aggregate classification.
Comment: This variant is classified as likely benign based on ACMG/AMP sequence variant interpretation guidelines (Richards et al. 2015 PMID: 25741868, with internal and published modifications).